The following is an entry in ClinVar:

ClinVar aggregate classification (germline): Uncertain significance (1 of 4 stars; one submission).

Conditions:
Generalized epilepsy with febrile seizures plus, type 7 (GEFSP7). Also called: GEFS+, TYPE 7. Identifiers: Orphanet 36387, MedGen C2751778, MONDO:0013470, OMIM 613863.
Neuropathy, hereditary sensory and autonomic, type 2A (HSAN2A). Also called: HSAN IIA; ACROOSTEOLYSIS, GIACCAI TYPE; ACROOSTEOLYSIS, NEUROGENIC; WNK1-Related HSAN2 (HSAN2A); MORVAN DISEASE; NEUROPATHY, CONGENITAL SENSORY. Identifiers: Orphanet 970, MedGen C2752089, MONDO:0024309, OMIM 201300.

Allele frequency attached by ClinVar (database versions not stated): gnomAD exomes below 0.00001.
gnomAD v4.1: 2 of 1,614,018 alleles (0.00012%); highest among the groups gnomAD compares: Non-Finnish European, 0.00017%; no homozygotes.

Submission:

Labcorp Genetics (formerly Invitae), Labcorp
Classification: Uncertain significance for Neuropathy, hereditary sensory and autonomic, type 2A; Generalized epilepsy with febrile seizures plus, type 7. Last evaluated: 2023-02-14. Review status: criteria provided, single submitter. Criteria: Invitae Variant Classification Sherloc (09022015). Collection method: clinical testing. Allele origin: germline.
Comment: In summary, the available evidence is currently insufficient to determine the role of this variant in disease. Therefore, it has been classified as a Variant of Uncertain Significance. This sequence change replaces glutamic acid, which is acidic and polar, with aspartic acid, which is acidic and polar, at codon 1867 of the SCN9A protein (p.Glu1867Asp). This variant is not present in population databases (gnomAD no frequency). This variant has not been reported in the literature in individuals affected with SCN9A-related conditions. ClinVar contains an entry for this variant (Variation ID: 957532). Advanced modeling of protein sequence and biophysical properties (such as structural, functional, and spatial information, amino acid conservation, physicochemical variation, residue mobility, and thermodynamic stability) performed at Invitae indicates that this missense variant is not expected to disrupt SCN9A protein function.

NM_001365536.1(SCN9A):c.5634A>T (p.Glu1878Asp)

Genes: SCN1A-AS1 (SCN1A and SCN9A antisense RNA 1; plus strand), SCN9A (sodium voltage-gated channel alpha subunit 9; minus strand). Cytogenetic location: 2q24.3.
Variant type: single nucleotide variant.
Coding change: c.5634A>T on transcript NM_001365536.1 (MANE Select); coding-DNA position 5634, A replaced by T.
Protein change: p.Glu1878Asp; replaces glutamic acid 1878 with aspartic acid.
Molecular consequence: missense variant.
Genome position (GRCh38, 1-based): chr2:166,199,005, T>A on the plus strand (A>T on the coding strand, the complement: SCN9A is on the minus strand). VCF-style: chr2-166199005-T-A. GRCh37 (hg19) VCF-style: chr2-167055515-T-A.
Other names: c.5601A>T, p.Glu1867Asp (NM_002977.4); short protein forms E1878D, E1867D.
Identifiers: ClinVar variation 957532 (VCV000957532.10), dbSNP rs1693343500, ClinGen allele CA349051868.